The following is an entry in ClinVar:

NM_001267550.2(TTN):c.72487C>T (p.Arg24163Cys)

Genes: TTN (titin; minus strand), TTN-AS1 (TTN antisense RNA 1; plus strand). Cytogenetic location: 2q31.2.
Variant type: single nucleotide variant.
Coding change: c.72487C>T on transcript NM_001267550.2 (MANE Select); coding-DNA position 72487, C replaced by T.
Protein change: p.Arg24163Cys; replaces arginine 24163 with cysteine.
Molecular consequence: missense variant.
Genome position (GRCh38, 1-based): chr2:178,573,645, G>A on the plus strand (C>T on the coding strand, the complement: TTN is on the minus strand). VCF-style: chr2-178573645-G-A. GRCh37 (hg19) VCF-style: chr2-179438372-G-A.
Other names: c.72487C>T (NM_001267550.1); c.67564C>T, p.Arg22522Cys (NM_001256850.1); c.45292C>T, p.Arg15098Cys (NM_003319.4); c.64783C>T, p.Arg21595Cys (NM_133378.4); c.45667C>T, p.Arg15223Cys (NM_133432.3); c.45868C>T, p.Arg15290Cys (NM_133437.4); short protein forms R24163C, R15098C, R15223C, R15290C, R22522C, R21595C.
Identifiers: ClinVar variation 467447 (VCV000467447.11), dbSNP rs778284888, ClinGen allele CA61000018.

ClinVar aggregate classification (germline): Uncertain significance. Review status: criteria provided, multiple submitters, no conflicts (2 of 4 stars). 9 submissions from 5 submitters: Uncertain significance (9). Last evaluated 2022-08-16.

Conditions:
Early-onset myopathy with fatal cardiomyopathy (CMYO5). Also called: Salih Myopathy; CONGENITAL MYOPATHY 5 WITH CARDIOMYOPATHY. Identifiers: Orphanet 289377, MedGen C2673677, MONDO:0012714, OMIM 611705. Disease mechanism: loss of function.
Autosomal recessive limb-girdle muscular dystrophy type 2J (LGMDR10). Also called: Limb-girdle muscular dystrophy, type 2J; MUSCULAR DYSTROPHY, LIMB-GIRDLE, AUTOSOMAL RECESSIVE 10. Identifiers: Orphanet 140922, MedGen C1837342, MONDO:0012127, OMIM 608807.
Dilated cardiomyopathy 1G (CMD1G). Identifiers: Orphanet 154, MedGen C1858763, MONDO:0011400, OMIM 604145.
Myopathy, myofibrillar, 9, with early respiratory failure (MFM9). Also called: EDSTROM MYOPATHY; MYOPATHY, PROXIMAL, WITH EARLY RESPIRATORY MUSCLE INVOLVEMENT; Hereditary myopathy with early respiratory failure; Myopathy, distal, with early respiratory failure, autosomal dominant. Identifiers: Orphanet 178464, Orphanet 34521, MedGen C1863599, MONDO:0011362, OMIM 603689.
Hypertrophic cardiomyopathy 9. Also called: Familial hypertrophic cardiomyopathy 9. Identifiers: MedGen C1861065, MONDO:0013412, OMIM 613765.
Tibial muscular dystrophy (TMD). Also called: UDD MYOPATHY; Tibial muscular dystrophy, tardive; Udd Distal Myopathy – Tibial Muscular Dystrophy. Identifiers: Orphanet 609, MedGen C1838244, MONDO:0010870, OMIM 600334.

Allele frequency attached by ClinVar (database versions not stated): gnomAD 0.00001; TOPMed 0.00001.
gnomAD v4.1: 21 of 1,501,836 alleles (0.0014%); highest among the groups gnomAD compares: East Asian, 0.0046%; no homozygotes.

Submissions (9):

GeneDx
Classification: Uncertain significance. Last evaluated: 2022-08-16. Review status: criteria provided, single submitter. Criteria: GeneDx Variant Classification Process June 2021. Collection method: clinical testing. Allele origin: germline. Affected: yes.
Comment: Not observed at significant frequency in large population cohorts (gnomAD); Missense variant in a gene in which most reported pathogenic variants are truncating/loss of function; Has not been previously published as pathogenic or benign to our knowledge

Fulgent Genetics
Classification: Uncertain significance for Tibial muscular dystrophy; Myopathy, myofibrillar, 9, with early respiratory failure; Dilated cardiomyopathy 1G; Autosomal recessive limb-girdle muscular dystrophy type 2J; Early-onset myopathy with fatal cardiomyopathy; Hypertrophic cardiomyopathy 9. Last evaluated: 2021-08-27. Review status: criteria provided, single submitter. Criteria: ACMG Guidelines, 2015. Collection method: clinical testing. Allele origin: unknown.

Revvity Omics, Revvity
Classification: Uncertain significance. Last evaluated: 2019-07-24. Review status: criteria provided, single submitter. Criteria: ACMG Guidelines, 2015. Collection method: clinical testing. Allele origin: germline.

Illumina Laboratory Services, Illumina
Classification: Uncertain significance for Dilated cardiomyopathy 1G. Last evaluated: 2018-01-12. Review status: criteria provided, single submitter. Criteria: ICSL Variant Classification Criteria 13 December 2019. Collection method: clinical testing. Allele origin: germline.

Illumina Laboratory Services, Illumina
Classification: Uncertain significance for Early-onset myopathy with fatal cardiomyopathy. Last evaluated: 2018-01-12. Review status: criteria provided, single submitter. Criteria: ICSL Variant Classification Criteria 13 December 2019. Collection method: clinical testing. Allele origin: germline.

Illumina Laboratory Services, Illumina
Classification: Uncertain significance for Myopathy, myofibrillar, 9, with early respiratory failure. Last evaluated: 2018-01-12. Review status: criteria provided, single submitter. Criteria: ICSL Variant Classification Criteria 13 December 2019. Collection method: clinical testing. Allele origin: germline.

Illumina Laboratory Services, Illumina
Classification: Uncertain significance for Autosomal recessive limb-girdle muscular dystrophy type 2J. Last evaluated: 2018-01-12. Review status: criteria provided, single submitter. Criteria: ICSL Variant Classification Criteria 13 December 2019. Collection method: clinical testing. Allele origin: germline.

Illumina Laboratory Services, Illumina
Classification: Uncertain significance for Tibial muscular dystrophy. Last evaluated: 2018-01-12. Review status: criteria provided, single submitter. Criteria: ICSL Variant Classification Criteria 13 December 2019. Collection method: clinical testing. Allele origin: germline.

Labcorp Genetics (formerly Invitae), Labcorp
Classification: Uncertain significance for Dilated cardiomyopathy 1G; Autosomal recessive limb-girdle muscular dystrophy type 2J. Last evaluated: 2017-04-14. Review status: criteria provided, single submitter. Criteria: Invitae Variant Classification Sherloc (09022015). Collection method: clinical testing. Allele origin: germline.